The following is an entry in ClinVar:

ClinVar aggregate classification (germline): Likely benign. Review status: criteria provided, multiple submitters, no conflicts (2 of 4 stars). 2 submissions from 2 submitters: Likely benign (2). Last evaluated 2025-06-11.

Conditions:
Progressive myoclonic epilepsy. Also called: Familial progressive myoclonic epilepsy; Myoclonic Epilepsies, Progressive; Progressive myoclonus epilepsy; Myoclonus epilepsy. Identifiers: Orphanet 308, Orphanet 98261, MedGen C0751778, MONDO:0020074.

Allele frequency attached by ClinVar (database versions not stated): gnomAD 0.00001; gnomAD exomes 0.00001; TOPMed 0.00001.
gnomAD v4.1: 9 of 1,539,784 alleles (0.00058%); highest among the groups gnomAD compares: Non-Finnish European, 0.00079%; no homozygotes.

Submissions (2):

Labcorp Genetics (formerly Invitae), Labcorp
Classification: Likely benign for Progressive myoclonic epilepsy. Last evaluated: 2025-06-11. Review status: criteria provided, single submitter. Criteria: Invitae Variant Classification Sherloc (09022015). Collection method: clinical testing. Allele origin: germline.

CeGaT Center for Human Genetics Tuebingen
Classification: Likely benign. Last evaluated: 2024-08-01. Review status: criteria provided, single submitter. Criteria: CeGaT Center For Human Genetics Tuebingen Variant Classification Criteria Version 2. Collection method: clinical testing. Allele origin: germline. Affected: yes. Observed: 1 variant allele.
Comment: EPM2A: BP4, BP7

NM_005670.4(EPM2A):c.267G>A (p.Leu89=)

Genes: EPM2A (EPM2A glucan phosphatase, laforin; minus strand), EPM2A-DT (EPM2A divergent transcript; plus strand), LOC129997381 (ATAC-STARR-seq lymphoblastoid silent region 17642; plus strand). Cytogenetic location: 6q24.3.
Variant type: single nucleotide variant.
Coding change: c.267G>A on transcript NM_005670.4 (MANE Select); coding-DNA position 267, G replaced by A.
Protein change: p.Leu89=; no amino-acid change (leucine 89 retained).
Molecular consequence: synonymous variant. On other transcripts: 5 prime UTR variant (2), intron variant (2).
Genome position (GRCh38, 1-based): chr6:145,735,232, C>T on the plus strand (G>A on the coding strand, the complement: EPM2A is on the minus strand). VCF-style: chr6-145735232-C-T. GRCh37 (hg19) VCF-style: chr6-146056368-C-T.
Other names: c.267G>A, p.Leu89= (NM_001018041.2, NM_001360057.2, NM_001368130.1); c.-403G>A (NM_001360071.2); c.-357G>A (NM_001368129.2); c.-114+676G>A (NM_001360064.2); c.-114+13G>A (NM_001368131.1).
Identifiers: ClinVar variation 2163210 (VCV002163210.20), dbSNP rs1197084695, ClinGen allele CA452725910.